The following is an entry in ClinVar:

NM_001244008.2(KIF1A):c.806C>T (p.Ala269Val)

Gene: KIF1A (kinesin family member 1A; minus strand). Cytogenetic location: 2q37.3.
Variant type: single nucleotide variant.
Coding change: c.806C>T on transcript NM_001244008.2 (MANE Select); coding-DNA position 806, C replaced by T.
Protein change: p.Ala269Val; replaces alanine 269 with valine.
Molecular consequence: missense variant.
Genome position (GRCh38, 1-based): chr2:240,783,102, G>A on the plus strand (C>T on the coding strand, the complement: KIF1A is on the minus strand). VCF-style: chr2-240783102-G-A. GRCh37 (hg19) VCF-style: chr2-241722519-G-A.
Other names: c.806C>T, p.Ala269Val (NM_001320705.2, NM_001330289.2, NM_001330290.2 and 21 more transcripts); short protein forms A269V.
Identifiers: ClinVar variation 2932767 (VCV002932767.3), dbSNP rs1469297168, ClinGen allele CA351302680.

ClinVar aggregate classification (germline): Uncertain significance (1 of 4 stars; one submission).

Conditions:
Neuropathy, hereditary sensory, type 2C. Also called: Hereditary sensory and autonomic neuropathy type IIC; KIF1A-Related HSAN2 (HSAN2C). Identifiers: Orphanet 970, MedGen C3280168, MONDO:0013634, OMIM 614213.
Hereditary spastic paraplegia 30. Identifiers: Orphanet 101010, MedGen C5235139, MONDO:0012476.
Intellectual disability, autosomal dominant 9 (NESCAVS). Also called: NESCAV SYNDROME; KIF1A-Related Neurodevelopmental Disorder. Identifiers: Orphanet 662367, MedGen C5393830, MONDO:0013656, OMIM 614255.

Allele frequency attached by ClinVar (database versions not stated): gnomAD exomes below 0.00001.
gnomAD v4.1: 3 of 1,613,402 alleles (0.00019%); highest among the groups gnomAD compares: Non-Finnish European, 0.00025%; no homozygotes.

Submission:

Labcorp Genetics (formerly Invitae), Labcorp
Classification: Uncertain significance for Hereditary spastic paraplegia 30; Neuropathy, hereditary sensory, type 2C; Intellectual disability, autosomal dominant 9. Last evaluated: 2023-06-02. Review status: criteria provided, single submitter. Criteria: Invitae Variant Classification Sherloc (09022015). Collection method: clinical testing. Allele origin: germline.
Comment: In summary, the available evidence is currently insufficient to determine the role of this variant in disease. Therefore, it has been classified as a Variant of Uncertain Significance. Advanced modeling of protein sequence and biophysical properties (such as structural, functional, and spatial information, amino acid conservation, physicochemical variation, residue mobility, and thermodynamic stability) performed at Invitae indicates that this missense variant is expected to disrupt KIF1A protein function. This variant has not been reported in the literature in individuals affected with KIF1A-related conditions. This variant is present in population databases (no rsID available, gnomAD 0.0009%). This sequence change replaces alanine, which is neutral and non-polar, with valine, which is neutral and non-polar, at codon 269 of the KIF1A protein (p.Ala269Val).